The following is an entry in ClinVar:

ClinVar aggregate classification (germline): Uncertain significance (1 of 4 stars; one submission).

Conditions:
RASopathy. Also called: Noonan spectrum disorder; rasopathies. Identifiers: Orphanet 536391, MedGen C5555857, MONDO:0021060.

Submission:

Labcorp Genetics (formerly Invitae), Labcorp
Classification: Uncertain significance for RASopathy. Last evaluated: 2022-05-01. Review status: criteria provided, single submitter. Criteria: Invitae Variant Classification Sherloc (09022015). Collection method: clinical testing. Allele origin: germline.
Comment: In summary, the available evidence is currently insufficient to determine the role of this variant in disease. Therefore, it has been classified as a Variant of Uncertain Significance. Advanced modeling of protein sequence and biophysical properties (such as structural, functional, and spatial information, amino acid conservation, physicochemical variation, residue mobility, and thermodynamic stability) performed at Invitae indicates that this missense variant is expected to disrupt SOS1 protein function. This variant has not been reported in the literature in individuals affected with SOS1-related conditions. This variant is not present in population databases (gnomAD no frequency). This sequence change replaces leucine, which is neutral and non-polar, with phenylalanine, which is neutral and non-polar, at codon 105 of the SOS1 protein (p.Leu105Phe).

NM_005633.4(SOS1):c.313C>T (p.Leu105Phe)

Gene: SOS1 (SOS Ras/Rac guanine nucleotide exchange factor 1; minus strand). Cytogenetic location: 2p22.1.
Variant type: single nucleotide variant.
Coding change: c.313C>T on transcript NM_005633.4 (MANE Select); coding-DNA position 313, C replaced by T.
Protein change: p.Leu105Phe; replaces leucine 105 with phenylalanine.
Molecular consequence: missense variant.
Genome position (GRCh38, 1-based): chr2:39,058,705, G>A on the plus strand (C>T on the coding strand, the complement: SOS1 is on the minus strand). VCF-style: chr2-39058705-G-A. GRCh37 (hg19) VCF-style: chr2-39285846-G-A.
Other names: c.292C>T, p.Leu98Phe (NM_001382394.1); c.313C>T, p.Leu105Phe (NM_001382395.1); short protein forms L98F, L105F.
Identifiers: ClinVar variation 1914155 (VCV001914155.5), dbSNP rs1230538285, ClinGen allele CA346373844.